The following is an entry in ClinVar:

ClinVar aggregate classification (germline): Uncertain significance (1 of 4 stars; one submission).

Submission:

Clinical Genomics Laboratory, Laboratory for Precision Diagnostics, University of Washington
Classification: Uncertain significance. Last evaluated: 2024-07-01. Review status: criteria provided, single submitter. Criteria: ACMG/ClinGen CNV Guidelines, 2019. Collection method: clinical testing. Allele origin: unknown. Affected: yes. Observed: 1 variant allele.
Comment: This interstitial duplication is approximately 771kb in size and contains the entirety of 10 protein-coding genes. None of the genes in this region are known to cause medical problems in humans when an extra copy is present (triplosensitivity), and this is not a known triplosensitive genomic region. No similar duplications appear in the two databases of copy number variants seen in healthy control groups (DGV, gnomAD). No duplications with similar breakpoints appear in the two databases of copy number variants identified through clinical testing (ClinVar, DECIPHER). This familial duplication was smaller (0.3 Mb) and affected four of the 10 genes encompassed by the duplication found in this person (CUL4B, LAMP2, C1GALT1C1, MCTS1). However, more evidence is needed to associate the duplication with the observed health differences.

Literature cited by the submitters: PubMed 31277718.

GRCh38/hg38 Xq24(chrX:120022924-120794158)x2

Genes: ATP1B4 (ATPase Na+/K+ transporting family member beta 4; plus strand), C1GALT1C1 (C1GALT1 specific chaperone 1; minus strand), CUL4B (cullin 4B; minus strand), LAMP2 (lysosome associated membrane protein 2; minus strand), LINC01402 (long independently transcribed non-coding RNA 1402; minus strand) and 15 more. Cytogenetic location: Xq24.
Variant type: copy number gain.
Change: copy number 2 of chrX:120,022,924-120,794,158 (771.2 kb, GRCh38 coordinates, 1-based), cytogenetic band Xq24.
Identifiers: ClinVar variation 4974692 (VCV004974692.1).